The following is an entry in ClinVar:

NM_024747.6(HPS6):c.93G>T (p.Ala31=)

Genes: HPS6 (HPS6 biogenesis of lysosomal organelles complex 2 subunit 3; plus strand), LOC130004578 (ATAC-STARR-seq lymphoblastoid silent region 2738; plus strand). Cytogenetic location: 10q24.32.
Variant type: single nucleotide variant.
Coding change: c.93G>T on transcript NM_024747.6 (MANE Select); coding-DNA position 93, G replaced by T.
Protein change: p.Ala31=; no amino-acid change (alanine 31 retained).
Molecular consequence: synonymous variant.
Genome position (GRCh38, 1-based): chr10:102,065,567, G>T. VCF-style: chr10-102065567-G-T. GRCh37 (hg19) VCF-style: chr10-103825324-G-T.
Identifiers: ClinVar variation 2771676 (VCV002771676.3), dbSNP rs1047318232, ClinGen allele CA471010398.

ClinVar aggregate classification (germline): Uncertain significance (1 of 4 stars; one submission).

Submission:

Labcorp Genetics (formerly Invitae), Labcorp
Classification: Uncertain significance. Last evaluated: 2023-11-03. Review status: criteria provided, single submitter. Criteria: Invitae Variant Classification Sherloc (09022015). Collection method: clinical testing. Allele origin: germline.
Comment: This sequence change affects codon 31 of the HPS6 mRNA. It is a 'silent' change, meaning that it does not change the encoded amino acid sequence of the HPS6 protein. This variant is not present in population databases (gnomAD no frequency). This variant has not been reported in the literature in individuals affected with HPS6-related conditions. In summary, the available evidence is currently insufficient to determine the role of this variant in disease. Therefore, it has been classified as a Variant of Uncertain Significance.